The following is an entry in ClinVar:

ClinVar aggregate classification (germline): Uncertain significance (1 of 4 stars; one submission).

gnomAD v4.1: 1 of 1,612,968 alleles (0.000062%); no homozygotes.

Submission:

Labcorp Genetics (formerly Invitae), Labcorp
Classification: Uncertain significance. Last evaluated: 2024-08-31. Review status: criteria provided, single submitter. Criteria: Invitae Variant Classification Sherloc (09022015). Collection method: clinical testing. Allele origin: germline.
Comment: This sequence change replaces serine, which is neutral and polar, with asparagine, which is neutral and polar, at codon 767 of the ADGRB2 protein (p.Ser767Asn). This variant is not present in population databases (gnomAD no frequency). This variant has not been reported in the literature in individuals affected with ADGRB2-related conditions. An algorithm developed to predict the effect of missense changes on protein structure and function (PolyPhen-2) suggests that this variant is likely to be disruptive. In summary, the available evidence is currently insufficient to determine the role of this variant in disease. Therefore, it has been classified as a Variant of Uncertain Significance.

NM_001364857.2(ADGRB2):c.2300G>A (p.Ser767Asn)

Gene: ADGRB2 (adhesion G protein-coupled receptor B2; minus strand). Cytogenetic location: 1p35.2.
Variant type: single nucleotide variant.
Coding change: c.2300G>A on transcript NM_001364857.2 (MANE Select); coding-DNA position 2300, G replaced by A.
Protein change: p.Ser767Asn; replaces serine 767 with asparagine.
Molecular consequence: missense variant.
Genome position (GRCh38, 1-based): chr1:31,739,503, C>T on the plus strand (G>A on the coding strand, the complement: ADGRB2 is on the minus strand). VCF-style: chr1-31739503-C-T. GRCh37 (hg19) VCF-style: chr1-32205104-C-T.
Other names: c.2300G>A, p.Ser767Asn (NM_001294335.2, NM_001294336.2); short protein forms S767N.
Identifiers: ClinVar variation 3679211 (VCV003679211.2).